The following is an entry in ClinVar:

ClinVar aggregate classification (germline): Likely pathogenic (1 of 4 stars; one submission).

Submission:

Labcorp Genetics (formerly Invitae), Labcorp
Classification: Likely pathogenic. Last evaluated: 2025-09-21. Review status: criteria provided, single submitter. Criteria: Invitae Variant Classification Sherloc (09022015). Collection method: clinical testing. Allele origin: germline.
Comment: This sequence change affects a splice site in intron 58 of the ADGRV1 gene. It is expected to disrupt RNA splicing. Variants that disrupt the donor or acceptor splice site typically lead to a loss of protein function (PMID: 16199547), and loss-of-function variants in ADGRV1 are known to be pathogenic (PMID: 19357117, 22135276, 22147658, 26226137, 30718709, 31047384, 32467589). This variant is not present in population databases (gnomAD no frequency). This variant has not been reported in the literature in individuals affected with ADGRV1-related conditions. ClinVar contains an entry for this variant (Variation ID: 2956669). Algorithms developed to predict the effect of sequence changes on RNA splicing suggest that this variant may disrupt the consensus splice site. In summary, the currently available evidence indicates that the variant is pathogenic, but additional data are needed to prove that conclusively. Therefore, this variant has been classified as Likely Pathogenic.

Literature cited by the submitters: PubMed 16199547; PubMed 19357117; PubMed 22135276; PubMed 22147658; PubMed 26226137; PubMed 30718709; PubMed 31047384; PubMed 32467589.

NM_032119.4(ADGRV1):c.12120+1_12120+2del

Gene: ADGRV1 (adhesion G protein-coupled receptor V1; plus strand). Cytogenetic location: 5q14.3.
Variant type: Deletion.
Coding change: c.12120+1_12120+2del on transcript NM_032119.4 (MANE Select); the canonical splice donor site of the intron after coding-DNA position 12120, 2 bases deleted (GT; older notation c.12120+1_12120+2delGT).
Molecular consequence: splice donor variant.
Genome position (GRCh38, 1-based): chr5:90,759,589-90,759,590, GT deleted; deleting any 2 consecutive bases within chr5:90,759,588-90,759,590 gives the same sequence; the c. name uses the placement nearest the transcript's 3' end. VCF-style (leftmost placement, unchanged base first): chr5-90759587-CTG-C. GRCh37 (hg19) VCF-style: chr5-90055404-CTG-C.
Identifiers: ClinVar variation 2956669 (VCV002956669.3), dbSNP rs1166422359, ClinGen allele CA815354167.